The following is an entry in ClinVar:

ClinVar aggregate classification (germline): Uncertain significance. Review status: criteria provided, multiple submitters, no conflicts (2 of 4 stars). 3 submissions from 3 submitters: Uncertain significance (3). Last evaluated 2025-11-17.

Conditions:
Hereditary cancer-predisposing syndrome. Also called: Tumor predisposition; Hereditary neoplastic syndrome; Neoplastic Syndromes, Hereditary; Hereditary Cancer Syndrome. Identifiers: Orphanet 140162, MedGen C0027672, MeSH D009386, MONDO:0015356.
Gastrointestinal stromal tumor. Also called: Gastrointestinal stroma tumor; Gastrointestinal stromal tumor, somatic. Identifiers: Orphanet 44890, MedGen C0238198, MeSH D046152, MONDO:0011719, OMIM 606764, HP:0100723.

Allele frequency attached by ClinVar (database versions not stated): gnomAD exomes below 0.00001 and 0.00001; gnomAD 0.00002; TOPMed 0.00002.
gnomAD v4.1: 17 of 1,613,966 alleles (0.0011%); highest among the groups gnomAD compares: African/African-American, 0.0053%; no homozygotes.

Submissions (3):

Labcorp Genetics (formerly Invitae), Labcorp
Classification: Uncertain significance for Gastrointestinal stromal tumor. Last evaluated: 2025-11-17. Review status: criteria provided, single submitter. Criteria: Invitae Variant Classification Sherloc (09022015). Collection method: clinical testing. Allele origin: germline.
Comment: This sequence change replaces aspartic acid, which is acidic and polar, with glycine, which is neutral and non-polar, at codon 1026 of the PDGFRA protein (p.Asp1026Gly). This variant is present in population databases (no rsID available, gnomAD 0.004%). This variant has not been reported in the literature in individuals affected with PDGFRA-related conditions. ClinVar contains an entry for this variant (Variation ID: 459087). Invitae Evidence Modeling of protein sequence and biophysical properties (such as structural, functional, and spatial information, amino acid conservation, physicochemical variation, residue mobility, and thermodynamic stability) has been performed for this missense variant. However, the output from this modeling did not meet the statistical confidence thresholds required to predict the impact of this variant on PDGFRA protein function. In summary, the available evidence is currently insufficient to determine the role of this variant in disease. Therefore, it has been classified as a Variant of Uncertain Significance.

Ambry Genetics
Classification: Uncertain significance for Hereditary cancer-predisposing syndrome. Last evaluated: 2025-10-07. Review status: criteria provided, single submitter. Criteria: Ambry Variant Classification Scheme 2023. Collection method: clinical testing. Allele origin: germline.
Comment: The p.D1026G variant (also known as c.3077A>G), located in coding exon 21 of the PDGFRA gene, results from an A to G substitution at nucleotide position 3077. The aspartic acid at codon 1026 is replaced by glycine, an amino acid with similar properties. This amino acid position is conserved. In addition, the in silico prediction for this alteration is inconclusive. Since supporting evidence is limited at this time, the clinical significance of this alteration remains unclear.

GeneDx
Classification: Uncertain significance. Last evaluated: 2022-10-25. Review status: criteria provided, single submitter. Criteria: GeneDx Variant Classification Process June 2021. Collection method: clinical testing. Allele origin: germline. Affected: yes.
Comment: Not observed at significant frequency in large population cohorts (gnomAD); In silico analysis supports that this missense variant does not alter protein structure/function; Has not been previously published as pathogenic or benign to our knowledge

NM_006206.6(PDGFRA):c.3077A>G (p.Asp1026Gly)

Gene: PDGFRA (platelet derived growth factor receptor alpha; plus strand). Cytogenetic location: 4q12.
Variant type: single nucleotide variant.
Coding change: c.3077A>G on transcript NM_006206.6 (MANE Select); coding-DNA position 3077, A replaced by G.
Protein change: p.Asp1026Gly; replaces aspartic acid 1026 with glycine.
Molecular consequence: missense variant.
Genome position (GRCh38, 1-based): chr4:54,290,509, A>G. VCF-style: chr4-54290509-A-G. GRCh37 (hg19) VCF-style: chr4-55156676-A-G.
Other names: c.3152A>G, p.Asp1051Gly (NM_001347828.2); c.3077A>G, p.Asp1026Gly (NM_001347829.2); c.3116A>G, p.Asp1039Gly (NM_001347830.2); short protein forms D1026G, D1051G, D1039G.
Identifiers: ClinVar variation 459087 (VCV000459087.14), dbSNP rs1418641601, ClinGen allele CA356896329.